The following is an entry in ClinVar:

ClinVar aggregate classification (germline): Uncertain significance. Review status: criteria provided, multiple submitters, no conflicts (2 of 4 stars). 2 submissions from 2 submitters: Uncertain significance (2). Last evaluated 2026-01-27.

Conditions:
Inborn genetic diseases. Identifiers: MedGen C0950123, MeSH D030342.

gnomAD v4.1: 32 of 1,613,936 alleles (0.002%); highest among the groups gnomAD compares: African/African-American, 0.04%; no homozygotes.

Submissions (2):

GeneDx
Classification: Uncertain significance. Last evaluated: 2026-01-27. Review status: criteria provided, single submitter. Criteria: GeneDx Variant Classification Process June 2021. Collection method: clinical testing. Allele origin: germline.
Comment: In silico analysis supports that this missense variant has a deleterious effect on protein structure/function; Has not been previously published as pathogenic or benign to our knowledge

Ambry Genetics
Classification: Uncertain significance for Inborn genetic diseases. Last evaluated: 2025-05-03. Review status: criteria provided, single submitter. Criteria: Ambry Variant Classification Scheme 2023. Collection method: clinical testing. Allele origin: germline.

NM_031889.3(ENAM):c.2272A>C (p.Thr758Pro)

Gene: ENAM (enamelin; plus strand). Cytogenetic location: 4q13.3.
Variant type: single nucleotide variant.
Coding change: c.2272A>C on transcript NM_031889.3 (MANE Select); coding-DNA position 2272, A replaced by C.
Protein change: p.Thr758Pro; replaces threonine 758 with proline.
Molecular consequence: missense variant.
Genome position (GRCh38, 1-based): chr4:70,643,698, A>C. VCF-style: chr4-70643698-A-C. GRCh37 (hg19) VCF-style: chr4-71509415-A-C.
Other names: c.1618A>C, p.Thr540Pro (NM_001368133.1); short protein forms T540P, T758P.
Identifiers: ClinVar variation 4017941 (VCV004017941.2).